The following is an entry in ClinVar:

NM_001378418.1(TCF20):c.2122A>G (p.Ser708Gly)

Gene: TCF20 (transcription factor 20; minus strand). Cytogenetic location: 22q13.2.
Variant type: single nucleotide variant.
Coding change: c.2122A>G on transcript NM_001378418.1 (MANE Select); coding-DNA position 2122, A replaced by G.
Protein change: p.Ser708Gly; replaces serine 708 with glycine.
Molecular consequence: missense variant.
Genome position (GRCh38, 1-based): chr22:42,213,184, T>C on the plus strand (A>G on the coding strand, the complement: TCF20 is on the minus strand). VCF-style: chr22-42213184-T-C. GRCh37 (hg19) VCF-style: chr22-42609190-T-C.
Other names: c.2122A>G, p.Ser708Gly (NM_005650.4, NM_181492.3); short protein forms S708G.
Identifiers: ClinVar variation 1922693 (VCV001922693.6), dbSNP rs756665469, ClinGen allele CA10267060.

ClinVar aggregate classification (germline): Uncertain significance. Review status: criteria provided, multiple submitters, no conflicts (2 of 4 stars). 2 submissions from 2 submitters: Uncertain significance (2). Last evaluated 2025-04-27.

Allele frequency attached by ClinVar (database versions not stated): ExAC 0.00001; gnomAD 0.00001; gnomAD exomes 0.00001; TOPMed 0.00001.
gnomAD v4.1: 14 of 1,614,100 alleles (0.00087%); highest among the groups gnomAD compares: Admixed American, 0.0017%; no homozygotes.

Submissions (2):

Labcorp Genetics (formerly Invitae), Labcorp
Classification: Uncertain significance. Last evaluated: 2025-04-27. Review status: criteria provided, single submitter. Criteria: Invitae Variant Classification Sherloc (09022015). Collection method: clinical testing. Allele origin: germline.
Comment: This sequence change replaces serine, which is neutral and polar, with glycine, which is neutral and non-polar, at codon 708 of the TCF20 protein (p.Ser708Gly). This variant is present in population databases (rs756665469, gnomAD 0.002%). This variant has not been reported in the literature in individuals affected with TCF20-related conditions. ClinVar contains an entry for this variant (Variation ID: 1922693). An algorithm developed to predict the effect of missense changes on protein structure and function (PolyPhen-2) suggests that this variant is likely to be tolerated. In summary, the available evidence is currently insufficient to determine the role of this variant in disease. Therefore, it has been classified as a Variant of Uncertain Significance.

Blueprint Genetics
Classification: Uncertain significance. Last evaluated: 2020-07-17. Review status: criteria provided, single submitter. Criteria: ACMG Guidelines, 2015. Collection method: clinical testing. Allele origin: germline.